The following is an entry in ClinVar:

NM_004329.3(BMPR1A):c.940A>C (p.Asn314His)

Gene: BMPR1A (bone morphogenetic protein receptor type 1A; plus strand). Cytogenetic location: 10q23.2.
Variant type: single nucleotide variant.
Coding change: c.940A>C on transcript NM_004329.3 (MANE Select); coding-DNA position 940, A replaced by C.
Protein change: p.Asn314His; replaces asparagine 314 with histidine.
Molecular consequence: missense variant.
Genome position (GRCh38, 1-based): chr10:86,919,243, A>C. VCF-style: chr10-86919243-A-C. GRCh37 (hg19) VCF-style: chr10-88679000-A-C.
Other names: c.1015A>C, p.Asn339His (NM_001406559.1); c.988A>C, p.Asn330His (NM_001406560.1); c.940A>C, p.Asn314His (NM_001406561.1, NM_001406562.1, NM_001406563.1 and 19 more transcripts); c.934A>C, p.Asn312His (NM_001406583.1); c.856A>C, p.Asn286His (NM_001406584.1, NM_001406585.1, NM_001406586.1 and 2 more transcripts); c.598A>C, p.Asn200His (NM_001406589.1); short protein forms N200H, N314H, N330H, N312H, N286H, N339H.
Identifiers: ClinVar variation 1935745 (VCV001935745.5), dbSNP rs1843622941, ClinGen allele CA377460146.

ClinVar aggregate classification (germline): Uncertain significance. Review status: criteria provided, multiple submitters, no conflicts (2 of 4 stars). 2 submissions from 2 submitters: Uncertain significance (2). Last evaluated 2025-09-29.

Conditions:
Juvenile polyposis syndrome (JPS). Identifiers: Orphanet 2929, MedGen C0345893, MONDO:0017380, OMIM 174900.
Hereditary cancer-predisposing syndrome. Also called: Neoplastic Syndromes, Hereditary; Hereditary neoplastic syndrome; Tumor predisposition; Hereditary Cancer Syndrome. Identifiers: Orphanet 140162, MedGen C0027672, MeSH D009386, MONDO:0015356.

Submissions (2):

Color Diagnostics, LLC DBA Color Health
Classification: Uncertain significance for Hereditary cancer-predisposing syndrome. Last evaluated: 2025-09-29. Review status: criteria provided, single submitter. Criteria: ACMG Guidelines, 2015. Collection method: clinical testing. Allele origin: germline.
Comment: This missense variant replaces asparagine with histidine at codon 314 of the BMPR1A protein. Computational prediction suggests that this variant may not impact protein structure and function. To our knowledge, functional studies have not been reported for this variant. This variant has not been reported in individuals affected with BMPR1A-related disorders in the literature. This variant has not been identified in the general population by the Genome Aggregation Database (gnomAD). The available evidence is insufficient to determine the role of this variant in disease conclusively. Therefore, this variant is classified as a Variant of Uncertain Significance.

Labcorp Genetics (formerly Invitae), Labcorp
Classification: Uncertain significance for Juvenile polyposis syndrome. Last evaluated: 2022-09-14. Review status: criteria provided, single submitter. Criteria: Invitae Variant Classification Sherloc (09022015). Collection method: clinical testing. Allele origin: germline.
Comment: This sequence change replaces asparagine, which is neutral and polar, with histidine, which is basic and polar, at codon 314 of the BMPR1A protein (p.Asn314His). This variant is not present in population databases (gnomAD no frequency). This variant has not been reported in the literature in individuals affected with BMPR1A-related conditions. Advanced modeling of protein sequence and biophysical properties (such as structural, functional, and spatial information, amino acid conservation, physicochemical variation, residue mobility, and thermodynamic stability) performed at Invitae indicates that this missense variant is not expected to disrupt BMPR1A protein function. In summary, the available evidence is currently insufficient to determine the role of this variant in disease. Therefore, it has been classified as a Variant of Uncertain Significance.